The following is an entry in ClinVar:

ClinVar aggregate classification (germline): Uncertain significance (1 of 4 stars; one submission).

Conditions:
Inborn genetic diseases. Identifiers: MedGen C0950123, MeSH D030342.

gnomAD v4.1: 5 of 1,611,900 alleles (0.00031%); highest among the groups gnomAD compares: Non-Finnish European, 0.00042%; no homozygotes.

Submission:

Ambry Genetics
Classification: Uncertain significance for Inborn genetic diseases. Last evaluated: 2024-10-14. Review status: criteria provided, single submitter. Criteria: Ambry Variant Classification Scheme 2023. Collection method: clinical testing. Allele origin: germline.
Comment: The p.Y410H variant (also known as c.1228T>C), located in coding exon 12 of the ERCC2 gene, results from a T to C substitution at nucleotide position 1228. The tyrosine at codon 410 is replaced by histidine, an amino acid with similar properties. This amino acid position is conserved. In addition, this alteration is predicted to be deleterious by in silico analysis. Since supporting evidence is limited at this time, the clinical significance of this alteration remains unclear.

NM_000400.4(ERCC2):c.1228T>C (p.Tyr410His)

Gene: ERCC2 (ERCC excision repair 2, TFIIH core complex helicase subunit; minus strand). Cytogenetic location: 19q13.32.
Variant type: single nucleotide variant.
Coding change: c.1228T>C on transcript NM_000400.4 (MANE Select); coding-DNA position 1228, T replaced by C.
Protein change: p.Tyr410His; replaces tyrosine 410 with histidine.
Molecular consequence: missense variant.
Genome position (GRCh38, 1-based): chr19:45,361,533, A>G on the plus strand (T>C on the coding strand, the complement: ERCC2 is on the minus strand). VCF-style: chr19-45361533-A-G. GRCh37 (hg19) VCF-style: chr19-45864791-A-G.
Other names: c.1156T>C, p.Tyr386His (NM_001130867.2); short protein forms Y386H, Y410H.
Identifiers: ClinVar variation 1754915 (VCV001754915.3), dbSNP rs2514023123, ClinGen allele CA406369799.